The following is an entry in ClinVar:

ClinVar aggregate classification (germline): Uncertain significance (1 of 4 stars; one submission).

Allele frequency attached by ClinVar (database versions not stated): TOPMed below 0.00001; gnomAD 0.00001; gnomAD exomes 0.00001; ExAC 0.00002; ESP Exome Variant Server 0.00009; 1000 Genomes Project 0.00020; 1000 Genomes Project 30x 0.00031.
gnomAD v4.1: 4 of 1,601,102 alleles (0.00025%); highest among the groups gnomAD compares: African/African-American, 0.004%; no homozygotes.

Submission:

GeneDx
Classification: Uncertain significance. Last evaluated: 2023-04-18. Review status: criteria provided, single submitter. Criteria: GeneDx Variant Classification Process June 2021. Collection method: clinical testing. Allele origin: germline. Affected: yes.
Comment: Not observed at significant frequency in large population cohorts (gnomAD); In silico analysis supports that this missense variant does not alter protein structure/function; Has not been previously published as pathogenic or benign to our knowledge

NM_173630.4(RTTN):c.1685A>G (p.Lys562Arg)

Gene: RTTN (rotatin; minus strand). Cytogenetic location: 18q22.2.
Variant type: single nucleotide variant.
Coding change: c.1685A>G on transcript NM_173630.4 (MANE Select); coding-DNA position 1685, A replaced by G.
Protein change: p.Lys562Arg; replaces lysine 562 with arginine.
Molecular consequence: missense variant. On other transcripts: 5 prime UTR variant (1).
Genome position (GRCh38, 1-based): chr18:70,168,859, T>C on the plus strand (A>G on the coding strand, the complement: RTTN is on the minus strand). VCF-style: chr18-70168859-T-C. GRCh37 (hg19) VCF-style: chr18-67836095-T-C.
Other names: c.-963A>G (NM_001318520.2); short protein forms K562R.
Identifiers: ClinVar variation 2663590 (VCV002663590.1), dbSNP rs374130370, ClinGen allele CA8996119.